The following is an entry in ClinVar:

NM_032888.4(COL27A1):c.3447+2T>C

Gene: COL27A1 (collagen type XXVII alpha 1 chain; plus strand). Cytogenetic location: 9q32.
Variant type: single nucleotide variant.
Coding change: c.3447+2T>C on transcript NM_032888.4 (MANE Select); the canonical splice donor site of the intron after coding-DNA position 3447, T replaced by C.
Molecular consequence: splice donor variant.
Genome position (GRCh38, 1-based): chr9:114,266,620, T>C. VCF-style: chr9-114266620-T-C. GRCh37 (hg19) VCF-style: chr9-117028900-T-C.
Identifiers: ClinVar variation 2093332 (VCV002093332.4), dbSNP rs2491414715, ClinGen allele CA374597177.

ClinVar aggregate classification (germline): Likely pathogenic (1 of 4 stars; one submission).

Allele frequency attached by ClinVar (database versions not stated): gnomAD exomes below 0.00001.
gnomAD v4.1: 1 of 1,613,138 alleles (0.000062%); highest among the groups gnomAD compares: South Asian, 0.0011%; no homozygotes.

Submission:

Labcorp Genetics (formerly Invitae), Labcorp
Classification: Likely pathogenic. Last evaluated: 2022-02-04. Review status: criteria provided, single submitter. Criteria: Invitae Variant Classification Sherloc (09022015). Collection method: clinical testing. Allele origin: germline.
Comment: This sequence change affects a donor splice site in intron 33 of the COL27A1 gene. It is expected to disrupt RNA splicing. Variants that disrupt the donor or acceptor splice site typically lead to a loss of protein function (PMID: 16199547), and loss-of-function variants in COL27A1 are known to be pathogenic (PMID: 24986830, 28276056). This variant is not present in population databases (gnomAD no frequency). This variant has not been reported in the literature in individuals affected with COL27A1-related conditions. Algorithms developed to predict the effect of sequence changes on RNA splicing suggest that this variant may disrupt the consensus splice site. In summary, the currently available evidence indicates that the variant is pathogenic, but additional data are needed to prove that conclusively. Therefore, this variant has been classified as Likely Pathogenic.

Literature cited by the submitters: PubMed 16199547; PubMed 24986830; PubMed 28276056.